The following is an entry in ClinVar:

ClinVar aggregate classification (germline): Uncertain significance (1 of 4 stars; one submission).

Conditions:
Cystic fibrosis (CF). Also called: MUCOVISCIDOSIS. Identifiers: Orphanet 586, MedGen C0010674, MONDO:0009061, OMIM 219700. Disease mechanism: loss of function.

Submission:

Ambry Genetics
Classification: Uncertain significance for Cystic fibrosis. Last evaluated: 2026-05-14. Review status: criteria provided, single submitter. Criteria: Ambry Variant Classification Scheme 2023. Collection method: clinical testing. Allele origin: germline.
Comment: The p.C647R variant (also known as c.1939T>C), located in coding exon 14 of the CFTR gene, results from a T to C substitution at nucleotide position 1939. The cysteine at codon 647 is replaced by arginine, an amino acid with highly dissimilar properties. This amino acid position is conserved. In addition, the in silico prediction for this alteration is inconclusive. Based on the available evidence, the clinical significance of this variant remains unclear.

NM_000492.4(CFTR):c.1939T>C (p.Cys647Arg)

Gene: CFTR (CF transmembrane conductance regulator; plus strand). Cytogenetic location: 7q31.2.
Variant type: single nucleotide variant.
Coding change: c.1939T>C on transcript NM_000492.4 (MANE Select); coding-DNA position 1939, T replaced by C.
Protein change: p.Cys647Arg; replaces cysteine 647 with arginine.
Molecular consequence: missense variant.
Genome position (GRCh38, 1-based): chr7:117,592,106, T>C. VCF-style: chr7-117592106-T-C. GRCh37 (hg19) VCF-style: chr7-117232160-T-C.
Other names: short protein forms C647R.
Identifiers: ClinVar variation 4868847 (VCV004868847.1).